The following is an entry in ClinVar:

NM_001943.5(DSG2):c.1601T>C (p.Ile534Thr)

Gene: DSG2 (desmoglein 2; plus strand). Cytogenetic location: 18q12.1.
Variant type: single nucleotide variant.
Coding change: c.1601T>C on transcript NM_001943.5 (MANE Select); coding-DNA position 1601, T replaced by C.
Protein change: p.Ile534Thr; replaces isoleucine 534 with threonine.
Molecular consequence: missense variant.
Genome position (GRCh38, 1-based): chr18:31,536,379, T>C. VCF-style: chr18-31536379-T-C. GRCh37 (hg19) VCF-style: chr18-29116342-T-C.
Other names: short protein forms I534T.
Identifiers: ClinVar variation 1379894 (VCV001379894.6), dbSNP rs2144341885, ClinGen allele CA402141996.
Genomic context (GRCh38, chr18:31,536,379, plus strand): 5'-ATGTTACTGCAGAGGACCTGGATGGACACCCAAACAGTGGCCCTTTCAGTTTCTCCGTCA[T>C]TGACAAACCACCTGGCATGGCAGAAAAATGGAAAATAGCACGCCAAGAAAGTAAGCAAAA-3'
Protein context (NP_001934.2, residues 524-544): PNSGPFSFSV[Ile534Thr]DKPPGMAEKW

ClinVar aggregate classification (germline): Uncertain significance (1 of 4 stars; one submission).

Conditions:
Arrhythmogenic right ventricular dysplasia 10. Also called: Arrhythmogenic right ventricular dysplasia/cardiomyopathy, type 10; ARRHYTHMOGENIC RIGHT VENTRICULAR DYSPLASIA, FAMILIAL, 10; Arrhythmogenic Right Ventricular Dysplasia/Cardiomyopathy10. Identifiers: MedGen C1857777, MONDO:0012434, OMIM 610193.

Submission:

Labcorp Genetics (formerly Invitae), Labcorp
Classification: Uncertain significance for Arrhythmogenic right ventricular dysplasia 10. Last evaluated: 2021-09-06. Review status: criteria provided, single submitter. Criteria: Invitae Variant Classification Sherloc (09022015). Collection method: clinical testing. Allele origin: germline.
Comment: In summary, the available evidence is currently insufficient to determine the role of this variant in disease. Therefore, it has been classified as a Variant of Uncertain Significance. This sequence change replaces isoleucine with threonine at codon 534 of the DSG2 protein (p.Ile534Thr). The isoleucine residue is highly conserved and there is a moderate physicochemical difference between isoleucine and threonine. This variant is not present in population databases (ExAC no frequency). This variant has not been reported in the literature in individuals affected with DSG2-related conditions. Algorithms developed to predict the effect of missense changes on protein structure and function are either unavailable or do not agree on the potential impact of this missense change (SIFT: "Deleterious"; PolyPhen-2: "Benign"; Align-GVGD: "Class C65").